The following is an entry in ClinVar:

ClinVar aggregate classification (germline): Uncertain significance (1 of 4 stars; one submission).

Allele frequency attached by ClinVar (database versions not stated): ExAC 0.00001; gnomAD 0.00001; gnomAD exomes 0.00001.
gnomAD v4.1: 21 of 1,614,062 alleles (0.0013%); highest among the groups gnomAD compares: East Asian, 0.0022%; no homozygotes.

Submission:

Labcorp Genetics (formerly Invitae), Labcorp
Classification: Uncertain significance. Last evaluated: 2022-06-17. Review status: criteria provided, single submitter. Criteria: Invitae Variant Classification Sherloc (09022015). Collection method: clinical testing. Allele origin: germline.
Comment: In summary, the available evidence is currently insufficient to determine the role of this variant in disease. Therefore, it has been classified as a Variant of Uncertain Significance. Algorithms developed to predict the effect of missense changes on protein structure and function are either unavailable or do not agree on the potential impact of this missense change (SIFT: "Deleterious"; PolyPhen-2: "Possibly Damaging"; Align-GVGD: "Class C0"). This variant has not been reported in the literature in individuals affected with DEF6-related conditions. This variant is present in population databases (rs779727492, gnomAD 0.006%). This sequence change replaces valine, which is neutral and non-polar, with isoleucine, which is neutral and non-polar, at codon 181 of the DEF6 protein (p.Val181Ile).

NM_022047.4(DEF6):c.541G>A (p.Val181Ile)

Gene: DEF6 (DEF6 guanine nucleotide exchange factor; plus strand). Cytogenetic location: 6p21.31.
Variant type: single nucleotide variant.
Coding change: c.541G>A on transcript NM_022047.4 (MANE Select); coding-DNA position 541, G replaced by A.
Protein change: p.Val181Ile; replaces valine 181 with isoleucine.
Molecular consequence: missense variant.
Genome position (GRCh38, 1-based): chr6:35,312,419, G>A. VCF-style: chr6-35312419-G-A. GRCh37 (hg19) VCF-style: chr6-35280196-G-A.
Other names: short protein forms V181I.
Identifiers: ClinVar variation 2172906 (VCV002172906.2), dbSNP rs779727492, ClinGen allele CA3770743.